The following is an entry in ClinVar:

NM_016592.5(GNAS):c.135_142del (p.Ala46fs)

Genes: GNAS (GNAS complex locus; plus strand), GNAS-AS1 (GNAS antisense RNA 1; minus strand). Cytogenetic location: 20q13.32.
Variant type: Deletion.
Coding change: c.135_142del on transcript NM_016592.5 (MANE Plus Clinical); coding-DNA positions 135 to 142, 8 bases deleted (TGCCACCT; older notation c.135_142delTGCCACCT).
Protein change: p.Ala46fs; shifts the reading frame from alanine 46.
Molecular consequence: frameshift variant. On other transcripts: 5 prime UTR variant (1).
Genome position (GRCh38, 1-based): chr20:58,840,241-58,840,248, TGCCACCT deleted; deleting any 8 consecutive bases within chr20:58,840,238-58,840,248 gives the same sequence; the c. name uses the placement nearest the transcript's 3' end. VCF-style (leftmost placement, unchanged base first): chr20-58840237-CCCTTGCCA-C. GRCh37 (hg19) VCF-style: chr20-57415292-CCCTTGCCA-C.
Other names: c.-603_-596del (NM_001410912.1); short protein forms A46fs.
Identifiers: ClinVar variation 4989238 (VCV004989238.1).

ClinVar aggregate classification (germline): Uncertain significance (1 of 4 stars; one submission).

Conditions:
GNAS-related disorder. Identifiers: MedGen CN380105.

Submission:

PreventionGenetics, part of Exact Sciences
Classification: Uncertain significance for GNAS-related condition. Last evaluated: 2026-08-25. Review status: criteria provided, single submitter. Criteria: ACMG Guidelines, 2015. Collection method: clinical testing. Allele origin: germline.
Comment: The GNAS c.135_142del8 variant is predicted to result in a frameshift and premature protein termination (p.Ala46Glnfs*18). This variant corresponds to a pre-coding position ( c.-51486_-51479del8) in the NM_000516.5 transcript. To our knowledge, this variant has not been reported in the literature or in a large population database (gnomAD), indicating this variant is rare. At this time, the clinical significance of this variant is uncertain due to the absence of conclusive functional and genetic evidence.